The following is an entry in ClinVar:

NM_001099922.3(ALG13):c.1886A>G (p.Tyr629Cys)

Gene: ALG13 (ALG13 UDP-N-acetylglucosaminyltransferase subunit; plus strand). Cytogenetic location: Xq23.
Variant type: single nucleotide variant.
Coding change: c.1886A>G on transcript NM_001099922.3 (MANE Select); coding-DNA position 1886, A replaced by G.
Protein change: p.Tyr629Cys; replaces tyrosine 629 with cysteine.
Molecular consequence: missense variant. On other transcripts: non-coding transcript variant (1).
Genome position (GRCh38, 1-based): chrX:111,726,965, A>G. VCF-style: chrX-111726965-A-G. GRCh37 (hg19) VCF-style: chrX-110970193-A-G.
Other names: c.1574A>G, p.Tyr525Cys (NM_001257234.2, NM_001257237.2, NM_001257230.2); c.1886A>G, p.Tyr629Cys (NM_001324292.2); c.1400A>G, p.Tyr467Cys (NM_001324293.1); c.1652A>G, p.Tyr551Cys (NM_001257231.2); short protein forms Y467C, Y551C, Y525C, Y629C.
Identifiers: ClinVar variation 2860608 (VCV002860608.3), dbSNP rs2525935325, ClinGen allele CA414252769.

ClinVar aggregate classification (germline): Uncertain significance (1 of 4 stars; one submission).

Conditions:
Developmental and epileptic encephalopathy, 36 (DEE36). Also called: Epileptic encephalopathy, early infantile, 36; Congenital disorder of glycosylation, type Is; ALG13-CDG. Identifiers: Orphanet 324422, MedGen C4317295, MONDO:0010472, OMIM 300884.

Submission:

Labcorp Genetics (formerly Invitae), Labcorp
Classification: Uncertain significance for Developmental and epileptic encephalopathy, 36. Last evaluated: 2023-04-29. Review status: criteria provided, single submitter. Criteria: Invitae Variant Classification Sherloc (09022015). Collection method: clinical testing. Allele origin: germline.
Comment: In summary, the available evidence is currently insufficient to determine the role of this variant in disease. Therefore, it has been classified as a Variant of Uncertain Significance. Advanced modeling of protein sequence and biophysical properties (such as structural, functional, and spatial information, amino acid conservation, physicochemical variation, residue mobility, and thermodynamic stability) performed at Invitae indicates that this missense variant is not expected to disrupt ALG13 protein function. This variant has not been reported in the literature in individuals affected with ALG13-related conditions. This variant is not present in population databases (gnomAD no frequency). This sequence change replaces tyrosine, which is neutral and polar, with cysteine, which is neutral and slightly polar, at codon 629 of the ALG13 protein (p.Tyr629Cys).